The following is an entry in ClinVar:

ClinVar aggregate classification (germline): Uncertain significance (1 of 4 stars; one submission).

Allele frequency attached by ClinVar (database versions not stated): gnomAD exomes below 0.00001; TOPMed below 0.00001.
gnomAD v4.1: 2 of 1,613,988 alleles (0.00012%); highest among the groups gnomAD compares: Non-Finnish European, 0.00017%; no homozygotes.

Submission:

Labcorp Genetics (formerly Invitae), Labcorp
Classification: Uncertain significance. Last evaluated: 2024-01-29. Review status: criteria provided, single submitter. Criteria: Invitae Variant Classification Sherloc (09022015). Collection method: clinical testing. Allele origin: germline.
Comment: This sequence change replaces alanine, which is neutral and non-polar, with threonine, which is neutral and polar, at codon 570 of the ACACA protein (p.Ala570Thr). This variant is not present in population databases (gnomAD no frequency). This variant has not been reported in the literature in individuals affected with ACACA-related conditions. ClinVar contains an entry for this variant (Variation ID: 1925909). An algorithm developed to predict the effect of missense changes on protein structure and function (PolyPhen-2) suggests that this variant is likely to be disruptive. In summary, the available evidence is currently insufficient to determine the role of this variant in disease. Therefore, it has been classified as a Variant of Uncertain Significance.

NM_198834.3(ACACA):c.1819G>A (p.Ala607Thr)

Gene: ACACA (acetyl-CoA carboxylase alpha; minus strand). Cytogenetic location: 17q12.
Variant type: single nucleotide variant.
Coding change: c.1819G>A on transcript NM_198834.3 (MANE Select); coding-DNA position 1819, G replaced by A.
Protein change: p.Ala607Thr; replaces alanine 607 with threonine.
Molecular consequence: missense variant.
Genome position (GRCh38, 1-based): chr17:37,257,710, C>T on the plus strand (G>A on the coding strand, the complement: ACACA is on the minus strand). VCF-style: chr17-37257710-C-T. GRCh37 (hg19) VCF-style: chr17-35614632-C-T.
Other names: c.1708G>A, p.Ala570Thr (NM_198836.3, NM_198839.3); c.1534G>A, p.Ala512Thr (NM_198837.2); c.1474G>A, p.Ala492Thr (NM_198838.2); short protein forms A492T, A512T, A570T, A607T.
Identifiers: ClinVar variation 1925909 (VCV001925909.5), dbSNP rs2081285668, ClinGen allele CA398742966.
Genomic context (GRCh38, chr17:37,257,710, plus strand): 5'-AAGATTAGCACAAATTTATTTTGTAAAATGCAATCAAATGCTATTATACTCACGAAATTG[C>T]CTCTTCTCTGTTTTCTCCCCAAGAAAAGCAGTGACCAAACTGAGAATCAGCAAATTCATG-3'
Protein context (NP_942131.1, residues 597-617): CFSWGENREE[Ala607Thr]ISNMVVALKE